The following is an entry in ClinVar:

NM_177438.3(DICER1):c.4344A>T (p.Glu1448Asp)

Gene: DICER1 (dicer 1, ribonuclease III; minus strand). Cytogenetic location: 14q32.13.
Variant type: single nucleotide variant.
Coding change: c.4344A>T on transcript NM_177438.3 (MANE Select); coding-DNA position 4344, A replaced by T.
Protein change: p.Glu1448Asp; replaces glutamic acid 1448 with aspartic acid.
Molecular consequence: missense variant. On other transcripts: non-coding transcript variant (6).
Genome position (GRCh38, 1-based): chr14:95,096,576, T>A on the plus strand (A>T on the coding strand, the complement: DICER1 is on the minus strand). VCF-style: chr14-95096576-T-A. GRCh37 (hg19) VCF-style: chr14-95562913-T-A.
Other names: c.4344A>T, p.Glu1448Asp (NM_001195573.1, NM_001271282.3, NM_001291628.2 and 13 more transcripts); c.4062A>T, p.Glu1354Asp (NM_001395686.1); c.3939A>T, p.Glu1313Asp (NM_001395687.1, NM_001395688.1, NM_001395689.1 and 2 more transcripts); c.3777A>T, p.Glu1259Asp (NM_001395691.1); c.2661A>T, p.Glu887Asp (NM_001395697.1); short protein forms E1259D, E1313D, E1354D, E1448D, E887D.
Identifiers: ClinVar variation 1720338 (VCV001720338.6), dbSNP rs1890363872, ClinGen allele CA390869221.
Genomic context (GRCh38, chr14:95,096,576, plus strand): 5'-AGAGATTTTCTTTACAAAAGCTCCTGACCCCATTAACATATTATCTATAAATCTGATATG[T>A]TCCTGATCATACTCCAGGAAATCATCTTCATAGTCAGCCTCTTCCTTCGGAGCCCTCCAC-3'
Protein context (NP_803187.1, residues 1438-1458): YEDDFLEYDQ[Glu1448Asp]HIRFIDNMLM

ClinVar aggregate classification (germline): Uncertain significance (1 of 4 stars; one submission).

Conditions:
DICER1-related tumor predisposition. Also called: DICER1 syndrome; DICER1-related pleuropulmonary blastoma cancer predisposition syndrome. Identifiers: Orphanet 284343, MedGen C3839822, MONDO:0100216.

Submission:

Labcorp Genetics (formerly Invitae), Labcorp
Classification: Uncertain significance for DICER1-related tumor predisposition. Last evaluated: 2022-10-13. Review status: criteria provided, single submitter. Criteria: Invitae Variant Classification Sherloc (09022015). Collection method: clinical testing. Allele origin: germline.
Comment: In summary, the available evidence is currently insufficient to determine the role of this variant in disease. Therefore, it has been classified as a Variant of Uncertain Significance. Algorithms developed to predict the effect of missense changes on protein structure and function are either unavailable or do not agree on the potential impact of this missense change (SIFT: "Deleterious"; PolyPhen-2: "Probably Damaging"; Align-GVGD: "Class C0"). This variant has not been reported in the literature in individuals affected with DICER1-related conditions. This variant is not present in population databases (gnomAD no frequency). This sequence change replaces glutamic acid, which is acidic and polar, with aspartic acid, which is acidic and polar, at codon 1448 of the DICER1 protein (p.Glu1448Asp).